The following is an entry in ClinVar:

ClinVar aggregate classification (germline): Conflicting classifications of pathogenicity. Review status: criteria provided, conflicting classifications (1 of 4 stars). 3 submissions from 3 submitters: Uncertain significance (1); Likely benign (1). 1 of the submissions does not count toward it. Last evaluated 2026-03-20.

Conditions:
MYH9-related disorder. Identifiers: MedGen C1854520.
Macrothrombocytopenia and granulocyte inclusions with or without nephritis or sensorineural hearing loss (MATINS). Also called: Fechtner syndrome; Epstein syndrome; Giant platelet syndrome with thrombocytopenia; MAY-HEGGLIN ANOMALY; BLEEDING DISORDER, PLATELET-TYPE, 6; DOHLE LEUKOCYTE INCLUSIONS WITH GIANT PLATELETS. Identifiers: Orphanet 182050, MedGen C5200934, MONDO:0015912, OMIM 155100.

Submissions (3):

PreventionGenetics, part of Exact Sciences
Classification: Uncertain significance for MYH9-related condition. Last evaluated: 2026-03-20. Review status: criteria provided, single submitter. Criteria: ACMG Guidelines, 2015. Collection method: clinical testing. Allele origin: germline.
Comment: The MYH9 c.5275-7_5275-5delTCT variant is predicted to result in an intronic deletion. To our knowledge, this variant has not been reported in the literature. This variant is reported in 0.017% of alleles in individuals of Latino descent in gnomAD. Although we suspect that this variant may be benign, at this time, the clinical significance of this variant is uncertain due to the absence of conclusive functional and genetic evidence.

Labcorp Genetics (formerly Invitae), Labcorp
Classification: Likely benign. Last evaluated: 2025-12-01. Review status: criteria provided, single submitter. Criteria: Invitae Variant Classification Sherloc (09022015). Collection method: clinical testing. Allele origin: germline.

Bioscientia Institut fuer Medizinische Diagnostik GmbH, Sonic Healthcare
Classification: Uncertain significance for Macrothrombocytopenia and granulocyte inclusions with or without nephritis or sensorineural hearing loss. Last evaluated: 2017-04-20. Review status: no assertion criteria provided. Collection method: clinical testing. Allele origin: germline. Affected: yes. Not counted in ClinVar's aggregate classification.

NM_002473.6(MYH9):c.5275-7_5275-5del

Gene: MYH9 (myosin heavy chain 9; minus strand). Cytogenetic location: 22q12.3.
Variant type: Microsatellite.
Coding change: c.5275-7_5275-5del on transcript NM_002473.6 (MANE Select); 7 bases into the intron before coding-DNA position 5275 through 5 bases into the intron before coding-DNA position 5275, 3 bases deleted (TCT; older notation c.5275-7_5275-5delTCT).
Molecular consequence: intron variant.
Genome position (GRCh38, 1-based): chr22:36,285,334-36,285,336, AGA deleted on the plus strand (TCT on the coding strand, the reverse complement: MYH9 is on the minus strand); deleting any 3 consecutive bases within chr22:36,285,334-36,285,341 gives the same sequence; the c. name uses the placement nearest the transcript's 3' end. VCF-style (leftmost placement, unchanged base first): chr22-36285333-CAGA-C. GRCh37 (hg19) VCF-style: chr22-36681379-CAGA-C.
Other names: c.5275-7_5275-5delTCT (NM_002473.5).
Identifiers: ClinVar variation 438700 (VCV000438700.7), dbSNP rs780656298, ClinGen allele CA10209092.